The following is an entry in ClinVar:

ClinVar aggregate classification (germline): Uncertain significance (1 of 4 stars; one submission).

gnomAD v4.1: 3 of 1,608,386 alleles (0.00019%); highest among the groups gnomAD compares: African/African-American, 0.0027%; no homozygotes.

Submission:

Labcorp Genetics (formerly Invitae), Labcorp
Classification: Uncertain significance. Last evaluated: 2025-01-27. Review status: criteria provided, single submitter. Criteria: Invitae Variant Classification Sherloc (09022015). Collection method: clinical testing. Allele origin: germline.
Comment: This sequence change replaces lysine, which is basic and polar, with arginine, which is basic and polar, at codon 168 of the DNA2 protein (p.Lys168Arg). This variant is not present in population databases (gnomAD no frequency). This variant has not been reported in the literature in individuals affected with DNA2-related conditions. Invitae Evidence Modeling of protein sequence and biophysical properties (such as structural, functional, and spatial information, amino acid conservation, physicochemical variation, residue mobility, and thermodynamic stability) indicates that this missense variant is not expected to disrupt DNA2 protein function with a negative predictive value of 80%. In summary, the available evidence is currently insufficient to determine the role of this variant in disease. Therefore, it has been classified as a Variant of Uncertain Significance.

NM_001080449.3(DNA2):c.503A>G (p.Lys168Arg)

Gene: DNA2 (DNA replication helicase/nuclease 2; minus strand). Cytogenetic location: 10q21.3.
Variant type: single nucleotide variant.
Coding change: c.503A>G on transcript NM_001080449.3 (MANE Select); coding-DNA position 503, A replaced by G.
Protein change: p.Lys168Arg; replaces lysine 168 with arginine.
Molecular consequence: missense variant. On other transcripts: non-coding transcript variant (1).
Genome position (GRCh38, 1-based): chr10:68,465,751, T>C on the plus strand (A>G on the coding strand, the complement: DNA2 is on the minus strand). VCF-style: chr10-68465751-T-C. GRCh37 (hg19) VCF-style: chr10-70225508-T-C.
Other names: short protein forms K168R.
Identifiers: ClinVar variation 3712756 (VCV003712756.2).